The following is an entry in ClinVar:

ClinVar aggregate classification (germline): Pathogenic (1 of 4 stars; one submission).

Submission:

Labcorp Genetics (formerly Invitae), Labcorp
Classification: Pathogenic. Last evaluated: 2023-07-28. Review status: criteria provided, single submitter. Criteria: Invitae Variant Classification Sherloc (09022015). Collection method: clinical testing. Allele origin: germline.
Comment: This sequence change creates a premature translational stop signal (p.His620Serfs*14) in the ITGA6 gene. It is expected to result in an absent or disrupted protein product. Loss-of-function variants in ITGA6 are known to be pathogenic (PMID: 9158140, 9185503, 9804362, 27607025). For these reasons, this variant has been classified as Pathogenic. This variant has not been reported in the literature in individuals affected with ITGA6-related conditions. This variant is not present in population databases (gnomAD no frequency).

Literature cited by the submitters: PubMed 9158140; PubMed 9185503; PubMed 9804362; PubMed 27607025.

NM_000210.4(ITGA6):c.1857dup (p.His620fs)

Genes: ITGA6 (integrin subunit alpha 6; plus strand), PDK1-AS1 (PDK1 and ITGA6 antisense RNA 1; minus strand). Cytogenetic location: 2q31.1.
Variant type: Duplication.
Coding change: c.1857dup on transcript NM_000210.4 (MANE Select); coding-DNA position 1857, one base duplicated (T; older notation c.1857dupT).
Protein change: p.His620fs; shifts the reading frame from histidine 620.
Molecular consequence: frameshift variant.
Genome position (GRCh38, 1-based): chr2:172,487,025, T duplicated; the last of 2 consecutive T bases (chr2:172,487,024-172,487,025); duplicating either gives the same sequence. VCF-style (leftmost placement, unchanged base first): chr2-172487023-G-GT. GRCh37 (hg19) VCF-style: chr2-173351751-G-GT.
Other names: c.1857dup, p.His620fs (NM_001079818.3, NM_001365529.2, NM_001365530.2); c.1500dup, p.His501fs (NM_001316306.2); c.1974dup, p.His659fs (NM_001394928.1); short protein forms H501fs, H620fs, H659fs.
Identifiers: ClinVar variation 2747696 (VCV002747696.3), dbSNP rs2468373773, ClinGen allele CA2697551368.